The following is an entry in ClinVar:

NM_000081.4(LYST):c.10734C>G (p.Cys3578Trp)

Gene: LYST (lysosomal trafficking regulator; minus strand). Cytogenetic location: 1q42.3.
Variant type: single nucleotide variant.
Coding change: c.10734C>G on transcript NM_000081.4 (MANE Select); coding-DNA position 10734, C replaced by G.
Protein change: p.Cys3578Trp; replaces cysteine 3578 with tryptophan.
Molecular consequence: missense variant.
Genome position (GRCh38, 1-based): chr1:235,687,015, G>C on the plus strand (C>G on the coding strand, the complement: LYST is on the minus strand). VCF-style: chr1-235687015-G-C. GRCh37 (hg19) VCF-style: chr1-235850315-G-C.
Other names: c.10734C>G, p.Cys3578Trp (NM_001301365.1); short protein forms C3578W.
Identifiers: ClinVar variation 2039735 (VCV002039735.2), dbSNP rs1483370237, ClinGen allele CA344924313.

ClinVar aggregate classification (germline): Uncertain significance (1 of 4 stars; one submission).

Conditions:
Chédiak-Higashi syndrome (CHS). Also called: Chediak-Higashi Syndrome. Identifiers: Orphanet 167, MedGen C0007965, MONDO:0008963, OMIM 214500.

Allele frequency attached by ClinVar (database versions not stated): TOPMed 0.00001; gnomAD 0.00002.
gnomAD v4.1: 16 of 1,613,762 alleles (0.00099%); highest among the groups gnomAD compares: Non-Finnish European, 0.0014%; no homozygotes.

Submission:

Labcorp Genetics (formerly Invitae), Labcorp
Classification: Uncertain significance for Chédiak-Higashi syndrome. Last evaluated: 2024-10-28. Review status: criteria provided, single submitter. Criteria: Invitae Variant Classification Sherloc (09022015). Collection method: clinical testing. Allele origin: germline.
Comment: This sequence change replaces cysteine, which is neutral and slightly polar, with tryptophan, which is neutral and slightly polar, at codon 3578 of the LYST protein (p.Cys3578Trp). This variant is present in population databases (no rsID available, gnomAD 0.003%). This variant has not been reported in the literature in individuals affected with LYST-related conditions. ClinVar contains an entry for this variant (Variation ID: 2039735). Invitae Evidence Modeling of protein sequence and biophysical properties (such as structural, functional, and spatial information, amino acid conservation, physicochemical variation, residue mobility, and thermodynamic stability) indicates that this missense variant is expected to disrupt LYST protein function with a positive predictive value of 80%. In summary, the available evidence is currently insufficient to determine the role of this variant in disease. Therefore, it has been classified as a Variant of Uncertain Significance.